The following is an entry in ClinVar:

ClinVar aggregate classification (germline): Uncertain significance (1 of 4 stars; one submission).

Conditions:
Cardiovascular phenotype. Identifiers: MedGen CN230736.

Submission:

Ambry Genetics
Classification: Uncertain significance for Cardiovascular phenotype. Last evaluated: 2025-07-22. Review status: criteria provided, single submitter. Criteria: Ambry Variant Classification Scheme 2023. Collection method: clinical testing. Allele origin: germline.
Comment: The p.K132R variant (also known as c.395A>G), located in coding exon 3 of the CSRP3 gene, results from an A to G substitution at nucleotide position 395. The lysine at codon 132 is replaced by arginine, an amino acid with highly similar properties. This amino acid position is conserved. In addition, this alteration is predicted to be tolerated by in silico analysis. Based on the available evidence, the clinical significance of this variant remains unclear.

NM_003476.5(CSRP3):c.395A>G (p.Lys132Arg)

Gene: CSRP3 (cysteine and glycine rich protein 3; minus strand). Cytogenetic location: 11p15.1.
Variant type: single nucleotide variant.
Coding change: c.395A>G on transcript NM_003476.5 (MANE Select); coding-DNA position 395, A replaced by G.
Protein change: p.Lys132Arg; replaces lysine 132 with arginine.
Molecular consequence: missense variant.
Genome position (GRCh38, 1-based): chr11:19,186,235, T>C on the plus strand (A>G on the coding strand, the complement: CSRP3 is on the minus strand). VCF-style: chr11-19186235-T-C. GRCh37 (hg19) VCF-style: chr11-19207782-T-C.
Other names: c.226A>G, p.Arg76Gly (NM_001369404.1); short protein forms K132R, R76G.
Identifiers: ClinVar variation 4235310 (VCV004235310.1).